The following is an entry in ClinVar:

ClinVar aggregate classification (germline): Conflicting classifications of pathogenicity. Review status: criteria provided, conflicting classifications (1 of 4 stars). 2 submissions from 2 submitters: Uncertain significance (1); Benign (1). Last evaluated 2024-11-18.

Conditions:
Gorlin syndrome. Also called: Basal cell nevus syndrome; Nevoid Basal Cell Carcinoma Syndrome. Identifiers: Orphanet 377, MedGen C0004779, MONDO:0007187.
Hereditary cancer-predisposing syndrome. Also called: Neoplastic Syndromes, Hereditary; Hereditary Cancer Syndrome; Tumor predisposition; Hereditary neoplastic syndrome. Identifiers: Orphanet 140162, MedGen C0027672, MeSH D009386, MONDO:0015356.

Allele frequency attached by ClinVar (database versions not stated): gnomAD 0.00001.
gnomAD v4.1: 1 of 1,614,104 alleles (0.000062%); highest among the groups gnomAD compares: African/African-American, 0.0013%; no homozygotes.

Submissions (2):

Ambry Genetics
Classification: Uncertain significance for Hereditary cancer-predisposing syndrome. Last evaluated: 2024-11-18. Review status: criteria provided, single submitter. Criteria: Ambry Variant Classification Scheme 2023. Collection method: clinical testing. Allele origin: germline.
Comment: The p.L1030V variant (also known as c.3088C>G), located in coding exon 18 of the PTCH1 gene, results from a C to G substitution at nucleotide position 3088. The leucine at codon 1030 is replaced by valine, an amino acid with highly similar properties. This amino acid position is highly conserved in available vertebrate species. In addition, the in silico prediction for this alteration is inconclusive. Based on the available evidence, the clinical significance of this variant remains unclear.

Labcorp Genetics (formerly Invitae), Labcorp
Classification: Benign for Gorlin syndrome. Last evaluated: 2024-01-11. Review status: criteria provided, single submitter. Criteria: Invitae Variant Classification Sherloc (09022015). Collection method: clinical testing. Allele origin: germline.

NM_000264.5(PTCH1):c.3088C>G (p.Leu1030Val)

Gene: PTCH1 (patched 1; minus strand). Cytogenetic location: 9q22.32.
Variant type: single nucleotide variant.
Coding change: c.3088C>G on transcript NM_000264.5 (MANE Select); coding-DNA position 3088, C replaced by G.
Protein change: p.Leu1030Val; replaces leucine 1030 with valine.
Molecular consequence: missense variant. On other transcripts: non-coding transcript variant (1).
Genome position (GRCh38, 1-based): chr9:95,458,093, G>C on the plus strand (C>G on the coding strand, the complement: PTCH1 is on the minus strand). VCF-style: chr9-95458093-G-C. GRCh37 (hg19) VCF-style: chr9-98220375-G-C.
Other names: c.2890C>G, p.Leu964Val (NM_001083602.3); c.3085C>G, p.Leu1029Val (NM_001083603.3); c.2635C>G, p.Leu879Val (NM_001083604.3, NM_001083605.3, NM_001083606.3 and 1 more transcripts); c.2932C>G, p.Leu978Val (NM_001354918.2); short protein forms L1030V, L879V, L964V, L1029V, L978V.
Identifiers: ClinVar variation 1432806 (VCV001432806.12), dbSNP rs1040729718, ClinGen allele CA196574824.